The following is an entry in ClinVar:

ClinVar aggregate classification (germline): Uncertain significance (1 of 4 stars; one submission).

Conditions:
Neurofibromatosis, type 1 (NF1). Also called: Peripheral type neurofibromatosis; VON RECKLINGHAUSEN DISEASE; Neurofibromatosis, type I; NEUROFIBROMATOSIS, TYPE I, SOMATIC. Identifiers: Orphanet 636, MedGen C0027831, MONDO:0018975, OMIM 162200. Disease mechanism: loss of function.

Allele frequency attached by ClinVar (database versions not stated): gnomAD exomes below 0.00001.
gnomAD v4.1: 2 of 1,614,132 alleles (0.00012%); highest among the groups gnomAD compares: Non-Finnish European, 0.00017%; no homozygotes.

Submission:

Labcorp Genetics (formerly Invitae), Labcorp
Classification: Uncertain significance for Neurofibromatosis, type 1. Last evaluated: 2022-07-12. Review status: criteria provided, single submitter. Criteria: Invitae Variant Classification Sherloc (09022015). Collection method: clinical testing. Allele origin: germline.
Comment: This sequence change replaces glutamic acid, which is acidic and polar, with glycine, which is neutral and non-polar, at codon 1264 of the NF1 protein (p.Glu1264Gly). This variant is not present in population databases (gnomAD no frequency). This variant has not been reported in the literature in individuals affected with NF1-related conditions. ClinVar contains an entry for this variant (Variation ID: 937360). Advanced modeling of protein sequence and biophysical properties (such as structural, functional, and spatial information, amino acid conservation, physicochemical variation, residue mobility, and thermodynamic stability) performed at Invitae indicates that this missense variant is expected to disrupt NF1 protein function. In summary, the available evidence is currently insufficient to determine the role of this variant in disease. Therefore, it has been classified as a Variant of Uncertain Significance.

NM_001042492.3(NF1):c.3791A>G (p.Glu1264Gly)

Gene: NF1 (neurofibromin 1; plus strand). Cytogenetic location: 17q11.2.
Variant type: single nucleotide variant.
Coding change: c.3791A>G on transcript NM_001042492.3 (MANE Select); coding-DNA position 3791, A replaced by G.
Protein change: p.Glu1264Gly; replaces glutamic acid 1264 with glycine.
Molecular consequence: missense variant.
Genome position (GRCh38, 1-based): chr17:31,235,693, A>G. VCF-style: chr17-31235693-A-G. GRCh37 (hg19) VCF-style: chr17-29562711-A-G.
Other names: c.3791A>G, p.Glu1264Gly (NM_000267.4); short protein forms E1264G.
Identifiers: ClinVar variation 937360 (VCV000937360.6), dbSNP rs200603400, ClinGen allele CA289340068.